The following is an entry in ClinVar:

ClinVar aggregate classification (germline): Uncertain significance (1 of 4 stars; one submission).

gnomAD v4.1: 1 of 1,550,974 alleles (0.000064%); highest among the groups gnomAD compares: Non-Finnish European, 0.000087%; no homozygotes.

Submission:

GeneDx
Classification: Uncertain significance. Last evaluated: 2022-06-14. Review status: criteria provided, single submitter. Criteria: GeneDx Variant Classification Process June 2021. Collection method: clinical testing. Allele origin: germline. Affected: yes.
Comment: Not observed at significant frequency in large population cohorts (gnomAD); In silico analysis supports that this missense variant does not alter protein structure/function; Has not been previously published as pathogenic or benign to our knowledge

NM_021098.3(CACNA1H):c.3536C>G (p.Ala1179Gly)

Gene: CACNA1H (calcium voltage-gated channel subunit alpha1 H; plus strand). Cytogenetic location: 16p13.3.
Variant type: single nucleotide variant.
Coding change: c.3536C>G on transcript NM_021098.3 (MANE Select); coding-DNA position 3536, C replaced by G.
Protein change: p.Ala1179Gly; replaces alanine 1179 with glycine.
Molecular consequence: missense variant.
Genome position (GRCh38, 1-based): chr16:1,209,204, C>G. VCF-style: chr16-1209204-C-G. GRCh37 (hg19) VCF-style: chr16-1259204-C-G.
Other names: c.3536C>G, p.Ala1179Gly (NM_001005407.2); short protein forms A1179G.
Identifiers: ClinVar variation 1804203 (VCV001804203.1), dbSNP rs1326666160, ClinGen allele CA394173892.